The following is an entry in ClinVar:

NM_020778.5(ALPK3):c.703C>A (p.Pro235Thr)

Gene: ALPK3 (alpha kinase 3; plus strand). Cytogenetic location: 15q25.3.
Variant type: single nucleotide variant.
Coding change: c.703C>A on transcript NM_020778.5 (MANE Select); coding-DNA position 703, C replaced by A.
Protein change: p.Pro235Thr; replaces proline 235 with threonine.
Molecular consequence: missense variant.
Genome position (GRCh38, 1-based): chr15:84,839,982, C>A. VCF-style: chr15-84839982-C-A. GRCh37 (hg19) VCF-style: chr15-85383213-C-A.
Other names: short protein forms P235T.
Identifiers: ClinVar variation 1396884 (VCV001396884.10), dbSNP rs1238212189, ClinGen allele CA393373334.

ClinVar aggregate classification (germline): Uncertain significance. Review status: criteria provided, multiple submitters, no conflicts (2 of 4 stars). 2 submissions from 2 submitters: Uncertain significance (2). Last evaluated 2024-04-24.

Conditions:
Cardiovascular phenotype. Identifiers: MedGen CN230736.

Allele frequency attached by ClinVar (database versions not stated): gnomAD 0.00001; TOPMed 0.00001.
gnomAD v4.1: 5 of 1,612,536 alleles (0.00031%); highest among the groups gnomAD compares: South Asian, 0.0011%; no homozygotes.

Submissions (2):

Labcorp Genetics (formerly Invitae), Labcorp
Classification: Uncertain significance. Last evaluated: 2024-04-24. Review status: criteria provided, single submitter. Criteria: Invitae Variant Classification Sherloc (09022015). Collection method: clinical testing. Allele origin: germline.
Comment: This sequence change replaces proline, which is neutral and non-polar, with threonine, which is neutral and polar, at codon 437 of the ALPK3 protein (p.Pro437Thr). This variant is present in population databases (no rsID available, gnomAD 0.007%). This variant has not been reported in the literature in individuals affected with ALPK3-related conditions. ClinVar contains an entry for this variant (Variation ID: 1396884). Advanced modeling of protein sequence and biophysical properties (such as structural, functional, and spatial information, amino acid conservation, physicochemical variation, residue mobility, and thermodynamic stability) performed at Invitae indicates that this missense variant is expected to disrupt ALPK3 protein function with a positive predictive value of 80%. In summary, the available evidence is currently insufficient to determine the role of this variant in disease. Therefore, it has been classified as a Variant of Uncertain Significance.

Ambry Genetics
Classification: Uncertain significance for Cardiovascular phenotype. Last evaluated: 2020-07-08. Review status: criteria provided, single submitter. Criteria: Ambry Variant Classification Scheme 2023. Collection method: clinical testing. Allele origin: germline.
Comment: The p.P437T variant (also known as c.1309C>A), located in coding exon 5 of the ALPK3 gene, results from a C to A substitution at nucleotide position 1309. The proline at codon 437 is replaced by threonine, an amino acid with highly similar properties. This amino acid position is not well conserved in available vertebrate species, and threonine is the reference amino acid in other vertebrate species. In addition, this alteration is predicted to be tolerated by in silico analysis. Since supporting evidence is limited at this time, the clinical significance of this alteration remains unclear.